The following is an entry in ClinVar:

ClinVar aggregate classification (germline): Benign (1 of 4 stars; one submission).

Conditions:
Koolen-de Vries syndrome (KDVS). Identifiers: Orphanet 96169, MedGen C1864871, MONDO:0012496, OMIM 610443.

Allele frequency attached by ClinVar (database versions not stated): ExAC 0.00001; gnomAD 0.00001; TOPMed 0.00001; gnomAD exomes below 0.00001.
gnomAD v4.1: 8 of 1,612,414 alleles (0.0005%); highest among the groups gnomAD compares: Non-Finnish European, 0.00068%; no homozygotes.

Submission:

Labcorp Genetics (formerly Invitae), Labcorp
Classification: Benign for Koolen-de Vries syndrome. Last evaluated: 2024-04-10. Review status: criteria provided, single submitter. Criteria: Invitae Variant Classification Sherloc (09022015). Collection method: clinical testing. Allele origin: germline.

NM_015443.4(KANSL1):c.2287G>T (p.Val763Leu)

Gene: KANSL1 (KAT8 regulatory NSL complex subunit 1). Cytogenetic location: 17q21.31.
Variant type: single nucleotide variant.
Coding change: c.2287G>T on transcript NM_015443.4 (MANE Select); coding-DNA position 2287, G replaced by T.
Protein change: p.Val763Leu; replaces valine 763 with leucine.
Molecular consequence: missense variant.
Genome position (GRCh38, 1-based): chr17:46,039,132, C>A on the plus strand (G>T on the coding strand, the complement: KANSL1 is on the minus strand). VCF-style: chr17-46039132-C-A. GRCh37 (hg19) VCF-style: chr17-44116498-C-A.
Other names: c.2287G>T, p.Val763Leu (NM_001379198.1, NM_001193465.2, NM_001193466.2); short protein forms V763L.
Identifiers: ClinVar variation 2050246 (VCV002050246.5), dbSNP rs781594360, ClinGen allele CA8618609.